The following is an entry in ClinVar:

ClinVar aggregate classification (germline): Uncertain significance. Review status: criteria provided, multiple submitters, no conflicts (2 of 4 stars). 2 submissions from 2 submitters: Uncertain significance (2). Last evaluated 2021-03-22.

Conditions:
Familial thoracic aortic aneurysm and aortic dissection (TAAD). Also called: Thoracic aortic aneurysms and dissections. Identifiers: Orphanet 91387, MedGen C4707243, MONDO:0019625.
Ehlers-Danlos syndrome, classic type, 1 (EDSCL1). Also called: EHLERS-DANLOS SYNDROME, GRAVIS TYPE; EHLERS-DANLOS SYNDROME, SEVERE CLASSIC TYPE; EDS I; Ehlers-Danlos Syndrome, Classic Type, COL5A1-Related; Ehlers-Danlos syndrome, type 1. Identifiers: MedGen C0268335, MONDO:0019567, OMIM 130000.

Submissions (2):

Labcorp Genetics (formerly Invitae), Labcorp
Classification: Uncertain significance for Ehlers-Danlos syndrome, classic type, 1. Last evaluated: 2021-03-22. Review status: criteria provided, single submitter. Criteria: Invitae Variant Classification Sherloc (09022015). Collection method: clinical testing. Allele origin: germline.
Comment: In summary, the available evidence is currently insufficient to determine the role of this variant in disease. Therefore, it has been classified as a Variant of Uncertain Significance. Experimental studies and prediction algorithms are not available or were not evaluated, and the functional significance of this variant is currently unknown. This variant has not been reported in the literature in individuals with COL5A1-related conditions. ClinVar contains an entry for this variant (Variation ID: 985864). The frequency data for this variant in the population databases is considered unreliable, as metrics indicate insufficient coverage at this position in the ExAC database. This variant, c.77_85del, results in the deletion of 4 and insertion of 1 amino acid(s) of the COL5A1 protein (p.Leu26_Trp29delinsArg), but otherwise preserves the integrity of the reading frame.

Ambry Genetics
Classification: Uncertain significance for Familial thoracic aortic aneurysm and aortic dissection. Last evaluated: 2018-06-18. Review status: criteria provided, single submitter. Criteria: Ambry Variant Classification Scheme 2023. Collection method: clinical testing. Allele origin: germline.
Comment: The c.77_85delTGCTGCTGT variant (also known as p.L26_W29delinsR) is located in coding exon 1 of the COL5A1 gene. This variant results from an in-frame TGCTGCTGT deletion at nucleotide positions 77 to 85. This results in the in-frame deletion of three leucine residues within a poly-leucine tract, and the replacement of tryptophan at codon 29 by arginine. This variant has been determined to be the result of a de novo mutation or germline mosaicism in one family with an isolated case with features of Ehlers-Danlos Syndrome type I/II (classic type) (Ambry internal data). These amino acid positions are highly conserved in available vertebrate species. Since supporting evidence is limited at this time, the clinical significance of this alteration remains unclear.

NM_000093.5(COL5A1):c.77_85del (p.Leu26_Trp29delinsArg)

Gene: COL5A1 (collagen type V alpha 1 chain; plus strand). Cytogenetic location: 9q34.3.
Variant type: Deletion.
Coding change: c.77_85del on transcript NM_000093.5 (MANE Select); coding-DNA positions 77 to 85, 9 bases deleted (TGCTGCTGT; older notation c.77_85delTGCTGCTGT).
Protein change: p.Leu26_Trp29delinsArg.
Molecular consequence: inframe indel.
Genome position (GRCh38, 1-based): chr9:134,642,264-134,642,272, TGCTGCTGT deleted. VCF-style (leftmost placement, unchanged base first): chr9-134642263-CTGCTGCTGT-C. GRCh37 (hg19) VCF-style: chr9-137534109-CTGCTGCTGT-C.
Other names: c.77_85del, p.Leu26_Trp29delinsArg (NM_001278074.1).
Identifiers: ClinVar variation 985864 (VCV000985864.12), dbSNP rs1831316736, ClinGen allele CA1139661324.
Genomic context (GRCh38, chr9:134,642,263, plus strand): 5'-CGCTGGAAAGCGCGCAGCGCGCTCCGCCCGGGCGCCCCGCTGCTGCCCCCGCTGCTGCTG[CTGCTGCTGT>C]GGGCGCCGCCTCCGAGCCGCGCAGGTAAGGGCGCCCCGGGGCGCGGGGCTGCGGGATGGG-3'